The following is an entry in ClinVar:

NM_001199107.2(TBC1D24):c.1550A>G (p.Tyr517Cys)

Gene: TBC1D24 (TBC1 domain family member 24; plus strand). Cytogenetic location: 16p13.3.
Variant type: single nucleotide variant.
Coding change: c.1550A>G on transcript NM_001199107.2 (MANE Select); coding-DNA position 1550, A replaced by G.
Protein change: p.Tyr517Cys; replaces tyrosine 517 with cysteine.
Molecular consequence: missense variant.
Genome position (GRCh38, 1-based): chr16:2,500,828, A>G. VCF-style: chr16-2500828-A-G. GRCh37 (hg19) VCF-style: chr16-2550829-A-G.
Other names: c.1532A>G, p.Tyr511Cys (NM_020705.3); short protein forms Y517C, Y511C.
Identifiers: ClinVar variation 2950612 (VCV002950612.3), dbSNP rs1013318590, ClinGen allele CA276810049.

ClinVar aggregate classification (germline): Uncertain significance (1 of 4 stars; one submission).

Conditions:
Autosomal dominant nonsyndromic hearing loss 65. Also called: Deafness, autosomal dominant 65; TBC1D24-Related Autosomal Dominant Nonsyndromic Hearing Loss (DFNA). Identifiers: Orphanet 90635, MedGen C3892048, MONDO:0014470, OMIM 616044.
Developmental and epileptic encephalopathy, 1 (DEE1). Also called: INFANTILE SPASM SYNDROME, X-LINKED 1; X-linked infantile spasms; West's syndrome; Tonic spasms with clustering, arrest of psychomotor development and hypsarrhythmia on EEG; X-Linked Infantile Spasm Syndrome; OHTAHARA SYNDROME, X-LINKED. Identifiers: MedGen C3463992, MONDO:0010632, OMIM 308350. Disease mechanism: loss of function.

Submission:

Labcorp Genetics (formerly Invitae), Labcorp
Classification: Uncertain significance for Developmental and epileptic encephalopathy, 1; Autosomal dominant nonsyndromic hearing loss 65. Last evaluated: 2024-01-22. Review status: criteria provided, single submitter. Criteria: Invitae Variant Classification Sherloc (09022015). Collection method: clinical testing. Allele origin: germline.
Comment: This sequence change replaces tyrosine, which is neutral and polar, with cysteine, which is neutral and slightly polar, at codon 517 of the TBC1D24 protein (p.Tyr517Cys). This variant is not present in population databases (gnomAD no frequency). This variant has not been reported in the literature in individuals affected with TBC1D24-related conditions. Advanced modeling of protein sequence and biophysical properties (such as structural, functional, and spatial information, amino acid conservation, physicochemical variation, residue mobility, and thermodynamic stability) performed at Invitae indicates that this missense variant is not expected to disrupt TBC1D24 protein function with a negative predictive value of 80%. In summary, the available evidence is currently insufficient to determine the role of this variant in disease. Therefore, it has been classified as a Variant of Uncertain Significance.